The following is an entry in ClinVar:

ClinVar aggregate classification (germline): Conflicting classifications of pathogenicity. Review status: criteria provided, conflicting classifications (1 of 4 stars). 4 submissions from 4 submitters: Uncertain significance (2); Benign (1). 1 of the submissions does not count toward it. Last evaluated 2025-12-20.

Conditions:
Kabuki syndrome. Also called: Kabuki make-up syndrome; NIIKAWA-KUROKI SYNDROME. Identifiers: Orphanet 2322, MedGen C0796004, MONDO:0016512.

Allele frequency attached by ClinVar (database versions not stated): gnomAD 0.00003; TOPMed 0.00002.
gnomAD v4.1: 10 of 1,613,964 alleles (0.00062%); highest among the groups gnomAD compares: Admixed American, 0.005%; no homozygotes.

Submissions (4):

Labcorp Genetics (formerly Invitae), Labcorp
Classification: Benign for Kabuki syndrome. Last evaluated: 2025-12-20. Review status: criteria provided, single submitter. Criteria: Invitae Variant Classification Sherloc (09022015). Collection method: clinical testing. Allele origin: germline.

Dasa
Classification: Uncertain significance. Last evaluated: 2024-08-04. Review status: criteria provided, single submitter. Criteria: DASA Assertion Criteria. Collection method: clinical testing. Allele origin: germline.
Comment: NM_003482.4(KMT2D):c.5504G>T (p.Arg1835Leu) is a missense variant that results in the substitution of arginine with leucine. This variant is rare in population databases. Computational prediction algorithms are consistent with a benign effect. The currently available literature and clinical evidence are not sufficient to establish a definitive association between this variant and the reported condition. Therefore, this variant is classified as a variant of uncertain significance.

Revvity Omics, Revvity
Classification: Uncertain significance. Last evaluated: 2022-03-21. Review status: criteria provided, single submitter. Criteria: ACMG Guidelines, 2015. Collection method: clinical testing. Allele origin: germline.

ITMI
No classification provided. Condition: AllHighlyPenetrant. Last evaluated: 2013-09-19. Review status: no classification provided. Collection method: reference population. Allele origin: germline. Not counted in ClinVar's aggregate classification.
Comment: Please see associated publication for description of ethnicities

Literature cited by the submitters: PubMed 24728327 (cited by ITMI).

NM_003482.4(KMT2D):c.5504G>T (p.Arg1835Leu)

Gene: KMT2D (lysine methyltransferase 2D; minus strand). Cytogenetic location: 12q13.12.
Variant type: single nucleotide variant.
Coding change: c.5504G>T on transcript NM_003482.4 (MANE Select); coding-DNA position 5504, G replaced by T.
Protein change: p.Arg1835Leu; replaces arginine 1835 with leucine.
Molecular consequence: missense variant.
Genome position (GRCh38, 1-based): chr12:49,043,392, C>A on the plus strand (G>T on the coding strand, the complement: KMT2D is on the minus strand). VCF-style: chr12-49043392-C-A. GRCh37 (hg19) VCF-style: chr12-49437175-C-A.
Other names: c.5504G>T (NM_003482.3); short protein forms R1835L.
Identifiers: ClinVar variation 134680 (VCV000134680.9), dbSNP rs368134008, ClinGen allele CA160525.